The following is an entry in ClinVar:

ClinVar aggregate classification (germline): Pathogenic (1 of 4 stars; one submission).

Submission:

Quest Diagnostics Nichols Institute San Juan Capistrano
Classification: Pathogenic. Last evaluated: 2023-07-21. Review status: criteria provided, single submitter. Criteria: ACMG/ClinGen CNV Guidelines, 2019. Collection method: clinical testing. Allele origin: unknown.
Comment: This loss involves several protein-coding genes, including ANKRD11 (OMIM 611192). Haploinsufficiency of ANKRD11 (CCID:006665) is associated with autosomal dominant KBG syndrome (KBGS; OMIM 148050), and deletions similar to or smaller than the current interval have been reported in patients with this phenotype (Handrigan 2013, Kutkowska-Kazmierczak 2021, Martinez-Cayuelas 2023, Miyatake 2013, Novara 2017, Willemsen 2009). There are no similar copy number losses spanning this region in the general populations of the Database of Genomic Variants. Thus, this copy number variant (CNV) is classified as pathogenic. References: Handrigan et al., J Med Genet. 2013 Mar;50(3):163-73. PMID: 23335808; Kutkowska-Kazmierczak et al., Genes (Basel). 2021 Aug 17;12(8):1257. PMID: 34440431; Martinez-Cayuelas et al., J Med Genet. 2023 Jul;60(7):644-654. PMID: 36446582; Miyatake et al., Am J Med Genet A. 2013 May;161A(5):1073-7. PMID: 23463723; Novara et al., Eur J Hum Genet. 2017 Jun;25(6):694-701. PMID: 28422132; Willemsen et al., Eur J Hum Genet. 2010 Apr;18(4):429-35. PMID: 19920853

GRCh37/hg19 16q24.2-24.3(chr16:87794842-89460290)x1

Genes: ACSF3 (acyl-CoA synthetase family member 3; plus strand), ANKRD11 (ankyrin repeat domain containing 11; minus strand), APRT (adenine phosphoribosyltransferase; minus strand), BANP (BTG3 associated nuclear protein; plus strand), CA5A (carbonic anhydrase 5A; minus strand) and 20 more. Cytogenetic location: 16q24.2-24.3.
Variant type: copy number loss.
Change: copy number 1 (one copy instead of two) of chr16:87,794,842-89,460,290 (1.67 Mb, GRCh37 coordinates, 1-based), cytogenetic band 16q24.2-24.3.
Identifiers: ClinVar variation 3391932 (VCV003391932.1).